The following is an entry in ClinVar:

ClinVar aggregate classification (germline): Uncertain significance (1 of 4 stars; one submission).

Allele frequency attached by ClinVar (database versions not stated): gnomAD exomes below 0.00001; ExAC 0.00001.
gnomAD v4.1: 1 of 1,611,790 alleles (0.000062%); no homozygotes.

Submission:

Labcorp Genetics (formerly Invitae), Labcorp
Classification: Uncertain significance. Last evaluated: 2023-08-31. Review status: criteria provided, single submitter. Criteria: Invitae Variant Classification Sherloc (09022015). Collection method: clinical testing. Allele origin: germline.
Comment: This variant has not been reported in the literature in individuals affected with ITPR1-related conditions. This variant is present in population databases (rs772418098, gnomAD 0.004%). This sequence change replaces glycine, which is neutral and non-polar, with glutamic acid, which is acidic and polar, at codon 1723 of the ITPR1 protein (p.Gly1723Glu). Advanced modeling of protein sequence and biophysical properties (such as structural, functional, and spatial information, amino acid conservation, physicochemical variation, residue mobility, and thermodynamic stability) performed at Invitae indicates that this missense variant is not expected to disrupt ITPR1 protein function. In summary, the available evidence is currently insufficient to determine the role of this variant in disease. Therefore, it has been classified as a Variant of Uncertain Significance.

NM_001378452.1(ITPR1):c.5357G>A (p.Gly1786Glu)

Gene: ITPR1 (inositol 1,4,5-trisphosphate receptor type 1; plus strand). Cytogenetic location: 3p26.1.
Variant type: single nucleotide variant.
Coding change: c.5357G>A on transcript NM_001378452.1 (MANE Select); coding-DNA position 5357, G replaced by A.
Protein change: p.Gly1786Glu; replaces glycine 1786 with glutamic acid.
Molecular consequence: missense variant.
Genome position (GRCh38, 1-based): chr3:4,735,167, G>A. VCF-style: chr3-4735167-G-A. GRCh37 (hg19) VCF-style: chr3-4776851-G-A.
Other names: c.5213G>A, p.Gly1738Glu (NM_001099952.4); c.5312G>A, p.Gly1771Glu (NM_001168272.2); c.5168G>A, p.Gly1723Glu (NM_002222.7); short protein forms G1786E, G1723E, G1771E, G1738E.
Identifiers: ClinVar variation 2794114 (VCV002794114.3), dbSNP rs772418098, ClinGen allele CA2232321.